The following is an entry in ClinVar:

NM_015154.3(MESD):c.434A>G (p.Tyr145Cys)

Gene: MESD (mesoderm development LRP chaperone; minus strand). Cytogenetic location: 15q25.1.
Variant type: single nucleotide variant.
Coding change: c.434A>G on transcript NM_015154.3 (MANE Select); coding-DNA position 434, A replaced by G.
Protein change: p.Tyr145Cys; replaces tyrosine 145 with cysteine.
Molecular consequence: missense variant. On other transcripts: non-coding transcript variant (1).
Genome position (GRCh38, 1-based): chr15:80,981,962, T>C on the plus strand (A>G on the coding strand, the complement: MESD is on the minus strand). VCF-style: chr15-80981962-T-C. GRCh37 (hg19) VCF-style: chr15-81274303-T-C.
Other names: c.434A>G (NM_015154.1); short protein forms Y145C.
Identifiers: ClinVar variation 2192903 (VCV002192903.3), dbSNP rs368285022, ClinGen allele CA7693931.

ClinVar aggregate classification (germline): Uncertain significance. Review status: criteria provided, multiple submitters, no conflicts (2 of 4 stars). 2 submissions from 2 submitters: Uncertain significance (2). Last evaluated 2024-09-03.

Allele frequency attached by ClinVar (database versions not stated): gnomAD exomes 0.00001; ExAC 0.00002; TOPMed 0.00003; gnomAD 0.00004; ESP Exome Variant Server 0.00008.
gnomAD v4.1: 19 of 1,612,144 alleles (0.0012%); highest among the groups gnomAD compares: African/African-American, 0.011%; no homozygotes.

Submissions (2):

Ambry Genetics
Classification: Uncertain significance. Last evaluated: 2024-09-03. Review status: criteria provided, single submitter. Criteria: Ambry Variant Classification Scheme 2023. Collection method: clinical testing. Allele origin: germline.

Labcorp Genetics (formerly Invitae), Labcorp
Classification: Uncertain significance. Last evaluated: 2022-06-02. Review status: criteria provided, single submitter. Criteria: Invitae Variant Classification Sherloc (09022015). Collection method: clinical testing. Allele origin: germline.
Comment: This sequence change replaces tyrosine, which is neutral and polar, with cysteine, which is neutral and slightly polar, at codon 145 of the MESDC2 protein (p.Tyr145Cys). This variant is present in population databases (rs368285022, gnomAD 0.01%). This variant has not been reported in the literature in individuals affected with MESDC2-related conditions. Algorithms developed to predict the effect of missense changes on protein structure and function (SIFT, PolyPhen-2, Align-GVGD) all suggest that this variant is likely to be disruptive. In summary, the available evidence is currently insufficient to determine the role of this variant in disease. Therefore, it has been classified as a Variant of Uncertain Significance.